The following is an entry in ClinVar:

NM_022574.4:c.1869_1870delAG

Gene: GIGYF1 (GRB10 interacting GYF protein 1; minus strand).
Variant type: Deletion.
Identifiers: ClinVar variation 4671844 (VCV004671844.1).

ClinVar aggregate classification (germline): Pathogenic (1 of 4 stars; one submission).

Submission:

Ambry Genetics
Classification: Pathogenic. Last evaluated: 2025-12-14. Review status: criteria provided, single submitter. Criteria: Ambry Variant Classification Scheme 2023. Collection method: clinical testing. Allele origin: germline.
Comment: The c.1869_1870delAG (p.G624Rfs*35) alteration, located in coding exon 16 of the GIGYF1 gene, consists of a deletion of 2 nucleotides from position 1869 to 1870, causing a translational frameshift with a predicted alternate stop codon after 35 amino acids. This alteration is expected to result in loss of function by premature protein truncation or nonsense-mediated mRNA decay. This variant was not reported in population-based cohorts in the Genome Aggregation Database (gnomAD). Based on the available evidence, this alteration is classified as pathogenic.